The following is an entry in ClinVar:

ClinVar aggregate classification (germline): Uncertain significance (1 of 4 stars; one submission).

Allele frequency attached by ClinVar (database versions not stated): gnomAD exomes below 0.00001.

Submission:

Women's Health and Genetics/Laboratory Corporation of America, LabCorp
Classification: Uncertain significance. Last evaluated: 2023-10-31. Review status: criteria provided, single submitter. Criteria: LabCorp Variant Classification Summary - May 2015. Collection method: clinical testing. Allele origin: germline.
Comment: Variant summary: POMT1 c.1159G>C (p.Val387Leu) results in a conservative amino acid change located in the MIR motif (IPR016093) of the encoded protein sequence. Four of five in-silico tools predict a benign effect of the variant on protein function. The variant was absent in 249572 control chromosomes. The available data on variant occurrences in the general population are insufficient to allow any conclusion about variant significance. To our knowledge, no occurrence of c.1159G>C in individuals affected with Limb-Girdle Muscular Dystrophy, Autosomal Recessive and no experimental evidence demonstrating its impact on protein function have been reported. No submitters have cited clinical-significance assessments for this variant to ClinVar after 2014. Based on the evidence outlined above, the variant was classified as uncertain significance.

NM_001077365.2(POMT1):c.1093G>C (p.Val365Leu)

Gene: POMT1 (protein O-mannosyltransferase 1; plus strand). Cytogenetic location: 9q34.13.
Variant type: single nucleotide variant.
Coding change: c.1093G>C on transcript NM_001077365.2 (MANE Select); coding-DNA position 1093, G replaced by C.
Protein change: p.Val365Leu; replaces valine 365 with leucine.
Molecular consequence: missense variant. On other transcripts: 5 prime UTR variant (1), non-coding transcript variant (10), intron variant (1).
Genome position (GRCh38, 1-based): chr9:131,513,249, G>C. VCF-style: chr9-131513249-G-C. GRCh37 (hg19) VCF-style: chr9-134388636-G-C.
Other names: c.931G>C, p.Val311Leu (NM_001077366.2, NM_001353194.2); c.1093G>C, p.Val365Leu (NM_001136113.2, NM_001374690.1); c.742G>C, p.Val248Leu (NM_001136114.2, NM_001353195.2, NM_001374691.1 and 1 more transcripts); c.1159G>C, p.Val387Leu (NM_001353193.2, NM_007171.4); c.1003G>C, p.Val335Leu (NM_001353196.2); c.997G>C, p.Val333Leu (NM_001353197.2, NM_001353198.2); c.808G>C, p.Val270Leu (NM_001353199.2); c.637G>C, p.Val213Leu (NM_001353200.2); and 4 more; short protein forms V213L, V235L, V248L, V270L, V311L, V333L, V335L, V361L.
Identifiers: ClinVar variation 2637585 (VCV002637585.1), dbSNP rs2539219247, ClinGen allele CA375308996.
Genomic context (GRCh38, chr9:131,513,249, plus strand): 5'-GTTCGAGGGGACCAGGCTCTGTGTGGTCCCGACAGCACTGTGTCTTCCAGGCACCAGCTG[G>C]TGGTGAGCAGCCCTCCGAGACCTGTGAGGCACGGGGACATGGTGCAGCTGGTCCACGGCA-3'
Protein context (NP_001070833.1, residues 355-375): IVKDPRRHQL[Val365Leu]VSSPPRPVRH